The following is an entry in ClinVar:

ClinVar aggregate classification (germline): Uncertain significance (1 of 4 stars; one submission).

Conditions:
Familial hypobetalipoproteinemia 1. Also called: APOB-Related Familial Hypobetalipoproteinemia; Hypobetalipoproteinemia, normotriglyceridemic; Acanthocytosis with hypobetalipoproteinemia. Identifiers: MedGen C4551990, MONDO:0014252, OMIM 615558.
Hypercholesterolemia, autosomal dominant, type B (FHCL2). Also called: APOB-Related Familial Hypercholesterolemia, Autosomal Dominant; Familial hypercholesterolemia 2; Familial Hypercholesterolemia Type B; APOLIPOPROTEIN B-100, FAMILIAL DEFECTIVE; APOLIPOPROTEIN B-100, FAMILIAL LIGAND-DEFECTIVE; HYPERCHOLESTEROLEMIA, FAMILIAL, DUE TO LIGAND-DEFECTIVE APOLIPOPROTEIN B. Identifiers: MedGen C1704417, MONDO:0007751, OMIM 144010.

gnomAD v4.1: 1 of 1,586,596 alleles (0.000063%); highest among the groups gnomAD compares: East Asian, 0.0023%; no homozygotes.

Submission:

Labcorp Genetics (formerly Invitae), Labcorp
Classification: Uncertain significance for Familial hypobetalipoproteinemia 1; Hypercholesterolemia, autosomal dominant, type B. Last evaluated: 2025-10-25. Review status: criteria provided, single submitter. Criteria: Invitae Variant Classification Sherloc (09022015). Collection method: clinical testing. Allele origin: germline.
Comment: This sequence change replaces aspartic acid, which is acidic and polar, with tyrosine, which is neutral and polar, at codon 2162 of the APOB protein (p.Asp2162Tyr). This variant is not present in population databases (gnomAD no frequency). This variant has not been reported in the literature in individuals affected with APOB-related conditions. Invitae Evidence Modeling of protein sequence and biophysical properties (such as structural, functional, and spatial information, amino acid conservation, physicochemical variation, residue mobility, and thermodynamic stability) indicates that this missense variant is not expected to disrupt APOB protein function with a negative predictive value of 95%. In summary, the available evidence is currently insufficient to determine the role of this variant in disease. Therefore, it has been classified as a Variant of Uncertain Significance.

NM_000384.3(APOB):c.6484G>T (p.Asp2162Tyr)

Gene: APOB (apolipoprotein B; minus strand). Cytogenetic location: 2p24.1.
Variant type: single nucleotide variant.
Coding change: c.6484G>T on transcript NM_000384.3 (MANE Select); coding-DNA position 6484, G replaced by T.
Protein change: p.Asp2162Tyr; replaces aspartic acid 2162 with tyrosine.
Molecular consequence: missense variant.
Genome position (GRCh38, 1-based): chr2:21,010,384, C>A on the plus strand (G>T on the coding strand, the complement: APOB is on the minus strand). VCF-style: chr2-21010384-C-A. GRCh37 (hg19) VCF-style: chr2-21233256-C-A.
Other names: short protein forms D2162Y.
Identifiers: ClinVar variation 4789288 (VCV004789288.1).